The following is an entry in ClinVar:

ClinVar aggregate classification (somatic clinical impact): Tier I - Strong (1 of 4 stars; one submission).

Conditions:
Myxoid glioneuronal tumor. Identifiers: MedGen C5555545, MONDO:0858944.

Submission:

Institute for Genomic Medicine (IGM) Clinical Laboratory, Nationwide Children's Hospital
Classification: Tier I - Strong for Myxoid glioneuronal tumor. Assertion type: diagnostic. Clinical significance: supports diagnosis. Last evaluated: 2025-01-13. Review status: criteria provided, single submitter. Criteria: AMP/ASCO/CAP Guidelines, 2017. Collection method: clinical testing. Allele origin: somatic. Affected: yes.
Comment: Variant has Tier I (strong) clinical significance as a diagnostic inclusion criterion in myxoid glioneuronal tumor, based on the following evidence: 1) Documented in one or more cancer databases (e.g., St. Jude Pecan, COSMIC, CIViC, OncoKB). 2) Diagnostic for a specific tumor type/classification according to professional guidelines (Evidence Level A; PMIDs: 30006677, 30726976, 31609499).

Literature cited by the submitters: PubMed 30006677; PubMed 30726976; PubMed 31609499.

NM_006206.6(PDGFRA):c.1153_1154inv (p.Lys385Leu)

Gene: PDGFRA (platelet derived growth factor receptor alpha; plus strand). Cytogenetic location: 4q12.
Variant type: Inversion.
Coding change: c.1153_1154inv on transcript NM_006206.6 (MANE Select).
Protein change: p.Lys385Leu; replaces lysine 385 with leucine.
Molecular consequence: missense variant.
Genome position: GRCh38 VCF-style: chr4-54270664-AA-TT. GRCh37 (hg19) VCF-style: chr4-55136831-AA-TT.
Other names: c.1153_1154delinsTT (NM_006206.6); c.1153_1154inv, p.Lys385Leu (NM_001347827.2, NM_001347829.2); c.1228_1229inv, p.Lys410Leu (NM_001347828.2); c.1192_1193inv, p.Lys398Leu (NM_001347830.2); short protein forms K385L, K398L, K410L.
Identifiers: ClinVar variation 4530353 (VCV004530353.1).